The following is an entry in ClinVar:

NM_014927.5(CNKSR2):c.801T>G (p.His267Gln)

Gene: CNKSR2 (connector enhancer of kinase suppressor of Ras 2; plus strand). Cytogenetic location: Xp22.12.
Variant type: single nucleotide variant.
Coding change: c.801T>G on transcript NM_014927.5 (MANE Select); coding-DNA position 801, T replaced by G.
Protein change: p.His267Gln; replaces histidine 267 with glutamine.
Molecular consequence: missense variant.
Genome position (GRCh38, 1-based): chrX:21,501,579, T>G. VCF-style: chrX-21501579-T-G. GRCh37 (hg19) VCF-style: chrX-21519697-T-G.
Other names: c.801T>G, p.His267Gln (NM_001330773.2, NM_001168647.3, NM_001168648.3 and 4 more transcripts); short protein forms H267Q.
Identifiers: ClinVar variation 4686414 (VCV004686414.1).
Genomic context (GRCh38, chrX:21,501,579, plus strand): 5'-GTCACCTGCAGATCGGTGCAAGAAAATCCATGCTGGCGATGAAGTGATTCAAGTTAATCA[T>G]CAGACTGTGGTATGTATAATTAACTTAAGAGTCAGTGGGAGGAACTAATTTTGATTTGCT-3'
Protein context (NP_055742.2, residues 257-277): HAGDEVIQVN[His267Gln]QTVVGWQLKN

ClinVar aggregate classification (germline): Uncertain significance (1 of 4 stars; one submission).

Submission:

GeneDx
Classification: Uncertain significance. Last evaluated: 2025-07-15. Review status: criteria provided, single submitter. Criteria: GeneDx Variant Classification Process June 2021. Collection method: clinical testing. Allele origin: germline. Affected: yes.
Comment: Not observed at significant frequency in large population cohorts (gnomAD); In silico analysis supports that this missense variant has a deleterious effect on protein structure/function; Has not been previously published as pathogenic or benign to our knowledge